The following is an entry in ClinVar:

ClinVar aggregate classification (germline): Pathogenic (1 of 4 stars; one submission).

Conditions:
PHOX2B-related disorder. Also called: PHOX2B-related condition.

Submission:

PreventionGenetics, part of Exact Sciences
Classification: Pathogenic for PHOX2B-related condition. Last evaluated: 2023-07-28. Review status: criteria provided, single submitter. Criteria: ACMG Guidelines, 2015. Collection method: clinical testing. Allele origin: germline.
Comment: The PHOX2B c.671_729del59 variant is predicted to result in a frameshift and premature protein termination (p.Pro224Argfs*116). **NOTE VARIANT RESULTS IN PROTEIN EXTENSION, NOT TRUNCATION** To our knowledge, this variant has not been reported in the literature or in a large population database, indicating this variant is rare. Frameshift variants in PHOX2B are expected to be pathogenic. This variant is interpreted as pathogenic.

NM_003924.4(PHOX2B):c.671_729del (p.Pro224fs)

Genes: PHOX2B (paired like homeobox 2B; minus strand), LOC110011216 (paired like homeobox 2b polyalanine repeat instability region; plus strand). Cytogenetic location: 4p13.
Variant type: Deletion.
Coding change: c.671_729del on transcript NM_003924.4 (MANE Select); coding-DNA positions 671 to 729, 59 bases deleted.
Protein change: p.Pro224fs; shifts the reading frame from proline 224.
Molecular consequence: frameshift variant.
Genome position (GRCh38, 1-based): chr4:41,746,023-41,746,081, 59 bases deleted. GRCh37 (hg19): chr4:41,748,040-41,748,098.
Other names: short protein forms P224fs.
Identifiers: ClinVar variation 2631260 (VCV002631260.1), dbSNP rs2552096826, ClinGen allele CA2695199371.